The following is an entry in ClinVar:

NM_000393.5(COL5A2):c.2499+1G>A

Gene: COL5A2 (collagen type V alpha 2 chain; minus strand). Cytogenetic location: 2q32.2.
Variant type: single nucleotide variant.
Coding change: c.2499+1G>A on transcript NM_000393.5 (MANE Select); the canonical splice donor site of the intron after coding-DNA position 2499, G replaced by A.
Molecular consequence: splice donor variant.
Genome position (GRCh38, 1-based): chr2:189,053,894, C>T on the plus strand (G>A on the coding strand, the complement: COL5A2 is on the minus strand). VCF-style: chr2-189053894-C-T. GRCh37 (hg19) VCF-style: chr2-189918620-C-T.
Identifiers: ClinVar variation 3369583 (VCV003369583.2).
Genomic context (GRCh38, chr2:189,053,894, plus strand): 5'-AATGATTAATTGTTTTATTGCTCAATCTCACACTAAAGAACACCAAAATACTGTCACTTA[C>T]AGGATTGCCCCGGGAGCCAGGAGGGCCAACTAAACCTCGAGGACCAGGTTCACCCTAGAA-3'

ClinVar aggregate classification (germline): Conflicting classifications of pathogenicity. Review status: criteria provided, conflicting classifications (1 of 4 stars). 2 submissions from 2 submitters: Likely pathogenic (1); Uncertain significance (1). Last evaluated 2024-02-22.

Conditions:
COL5A2-related disorders.

Submissions (2):

GeneDx
Classification: Uncertain significance. Last evaluated: 2024-02-22. Review status: criteria provided, single submitter. Criteria: GeneDx Variant Classification Process June 2021. Collection method: clinical testing. Allele origin: germline. Affected: yes.
Comment: Damages or destroys the splice donor site in intron 37, and is expected to cause abnormal gene splicing; if the splice outcome is exon skip, the loss of the encoded residues in the triple helical region is expected to disrupt normal protein folding and function (PMID: 22696272); Canonical splice site variant in a gene or region of a gene for which loss of function is not a well-established mechanism of disease; Not observed at significant frequency in large population cohorts (gnomAD); Has not been previously published as pathogenic or benign to our knowledge; This variant is associated with the following publications: (PMID: 22696272)

Blueprint Genetics
Classification: Likely pathogenic for COL5A2-related disorders. Last evaluated: 2017-11-24. Review status: criteria provided, single submitter. Criteria: ACMG Guidelines, 2015. Collection method: clinical testing. Allele origin: germline. Affected: yes. Observed: 1 variant allele.